The following is an entry in ClinVar:

NM_022168.4(IFIH1):c.2917G>A (p.Val973Met)

Gene: IFIH1 (interferon induced with helicase C domain 1; minus strand). Cytogenetic location: 2q24.2.
Variant type: single nucleotide variant.
Coding change: c.2917G>A on transcript NM_022168.4 (MANE Select); coding-DNA position 2917, G replaced by A.
Protein change: p.Val973Met; replaces valine 973 with methionine.
Molecular consequence: missense variant.
Genome position (GRCh38, 1-based): chr2:162,267,361, C>T on the plus strand (G>A on the coding strand, the complement: IFIH1 is on the minus strand). VCF-style: chr2-162267361-C-T. GRCh37 (hg19) VCF-style: chr2-163123871-C-T.
Other names: short protein forms V973M.
Identifiers: ClinVar variation 959969 (VCV000959969.9), dbSNP rs773526836, ClinGen allele CA1934020.

ClinVar aggregate classification (germline): Uncertain significance (1 of 4 stars; one submission).

Conditions:
Aicardi-Goutieres syndrome 7 (AGS7). Identifiers: Orphanet 51, MedGen C3888244, MONDO:0014367, OMIM 615846.
Singleton-Merten syndrome 1 (SGMRT1). Also called: Widened medullary cavities of bone, aortic calcification, abnormal dentition, and muscular weakness; Syndrome of widened medullary cavities of the metacarpals and phalanges, aortic calcification and abnormal dentition. Identifiers: Orphanet 85191, MedGen C4225427, MONDO:0024535, OMIM 182250.

Allele frequency attached by ClinVar (database versions not stated): gnomAD exomes 0.00002 and 0.00008; ExAC 0.00003; gnomAD 0.00011 and 0.00012; TOPMed 0.00015.
gnomAD v4.1: 42 of 1,613,696 alleles (0.0026%); highest among the groups gnomAD compares: Admixed American, 0.057%; no homozygotes.

Submission:

Labcorp Genetics (formerly Invitae), Labcorp
Classification: Uncertain significance for Aicardi-Goutieres syndrome 7; Singleton-Merten syndrome 1. Last evaluated: 2025-09-27. Review status: criteria provided, single submitter. Criteria: Invitae Variant Classification Sherloc (09022015). Collection method: clinical testing. Allele origin: germline.
Comment: This sequence change replaces valine, which is neutral and non-polar, with methionine, which is neutral and non-polar, at codon 973 of the IFIH1 protein (p.Val973Met). This variant is present in population databases (rs773526836, gnomAD 0.05%), and has an allele count higher than expected for a pathogenic variant. This variant has not been reported in the literature in individuals affected with IFIH1-related conditions. ClinVar contains an entry for this variant (Variation ID: 959969). Invitae Evidence Modeling of protein sequence and biophysical properties (such as structural, functional, and spatial information, amino acid conservation, physicochemical variation, residue mobility, and thermodynamic stability) has been performed for this missense variant. However, the output from this modeling did not meet the statistical confidence thresholds required to predict the impact of this variant on IFIH1 protein function. In summary, the available evidence is currently insufficient to determine the role of this variant in disease. Therefore, it has been classified as a Variant of Uncertain Significance.